The following is an entry in ClinVar:

ClinVar aggregate classification (germline): Uncertain significance (1 of 4 stars; one submission).

gnomAD v4.1: 1 of 1,204,896 alleles (0.000083%); highest among the groups gnomAD compares: Non-Finnish European, 0.00011%; no homozygotes.

Submission:

Ambry Genetics
Classification: Uncertain significance. Last evaluated: 2026-07-02. Review status: criteria provided, single submitter. Criteria: Ambry Variant Classification Scheme 2023. Collection method: clinical testing. Allele origin: germline.
Comment: The c.2749G>A (p.V917M) alteration is located in exon 17 (coding exon 15) of the PLXNB3 gene. This alteration results from a G to A substitution at nucleotide position 2749, causing the valine (V) at amino acid position 917 to be replaced by a methionine (M). Based on data from gnomAD, the A allele has an overall frequency of 0.001% (1/178617) total alleles studied. The highest observed frequency was 0.001% (1/79530) of European (non-Finnish) alleles. Based on insufficient or conflicting evidence, the clinical significance of this alteration remains unclear.

NM_005393.3(PLXNB3):c.2680G>A (p.Val894Met)

Gene: PLXNB3 (plexin B3; plus strand). Cytogenetic location: Xq28.
Variant type: single nucleotide variant.
Coding change: c.2680G>A on transcript NM_005393.3 (MANE Select); coding-DNA position 2680, G replaced by A.
Protein change: p.Val894Met; replaces valine 894 with methionine.
Molecular consequence: missense variant.
Genome position (GRCh38, 1-based): chrX:153,772,192, G>A. VCF-style: chrX-153772192-G-A. GRCh37 (hg19) VCF-style: chrX-153037647-G-A.
Other names: c.2749G>A, p.Val917Met (NM_001163257.2); short protein forms V894M, V917M.
Identifiers: ClinVar variation 5026873 (VCV005026873.1).